The following is an entry in ClinVar:

NM_001042646.3(TRAK1):c.626A>G (p.His209Arg)

Gene: TRAK1 (trafficking kinesin protein 1; plus strand). Cytogenetic location: 3p22.1.
Variant type: single nucleotide variant.
Coding change: c.626A>G on transcript NM_001042646.3 (MANE Select); coding-DNA position 626, A replaced by G.
Protein change: p.His209Arg; replaces histidine 209 with arginine.
Molecular consequence: missense variant. On other transcripts: non-coding transcript variant (1).
Genome position (GRCh38, 1-based): chr3:42,189,060, A>G. VCF-style: chr3-42189060-A-G. GRCh37 (hg19) VCF-style: chr3-42230552-A-G.
Other names: c.626A>G, p.His209Arg (NM_001265608.2, NM_001349246.2, NM_001349247.2); c.404A>G, p.His135Arg (NM_001265609.2, NM_001265610.1, NM_001349248.1 and 1 more transcripts); c.314A>G, p.His105Arg (NM_001349245.1); c.452A>G, p.His151Arg (NM_001410741.1, NM_014965.5); short protein forms H105R, H135R, H151R, H209R.
Identifiers: ClinVar variation 3025951 (VCV003025951.22), dbSNP rs758664395, ClinGen allele CA2333191.
Genomic context (GRCh38, chr3:42,189,060, plus strand): 5'-GTACTTTCTCCCCCAGGTTGAAGAGGAATGAGTCGTCCTCCTCAGTCCAGAATTACTTTC[A>G]TTTGGATTCTCTTCAAAAGAAGCTGAAAGACCTTGAAGAGGAGAATGTTGTACTTCGATC-3'
Protein context (NP_001036111.1, residues 199-219): ESSSSVQNYF[His209Arg]LDSLQKKLKD

ClinVar aggregate classification (germline): Uncertain significance (1 of 4 stars; one submission).

Allele frequency attached by ClinVar (database versions not stated): gnomAD exomes 0.00001; ExAC 0.00002; TOPMed 0.00002; gnomAD 0.00003.
gnomAD v4.1: 17 of 1,614,064 alleles (0.0011%); highest among the groups gnomAD compares: Non-Finnish European, 0.0014%; no homozygotes.

Submission:

CeGaT Center for Human Genetics Tuebingen
Classification: Uncertain significance. Last evaluated: 2024-01-01. Review status: criteria provided, single submitter. Criteria: CeGaT Center For Human Genetics Tuebingen Variant Classification Criteria Version 2. Collection method: clinical testing. Allele origin: germline. Affected: yes. Observed: 1 variant allele.
Comment: TRAK1: PM2